The following is an entry in ClinVar:

NM_016169.4(SUFU):c.1351A>G (p.Thr451Ala)

Gene: SUFU (SUFU negative regulator of hedgehog signaling; plus strand). Cytogenetic location: 10q24.32.
Variant type: single nucleotide variant.
Coding change: c.1351A>G on transcript NM_016169.4 (MANE Select); coding-DNA position 1351, A replaced by G.
Protein change: p.Thr451Ala; replaces threonine 451 with alanine.
Molecular consequence: missense variant.
Genome position (GRCh38, 1-based): chr10:102,627,229, A>G. VCF-style: chr10-102627229-A-G. GRCh37 (hg19) VCF-style: chr10-104386986-A-G.
Other names: short protein forms T451A.
Identifiers: ClinVar variation 1924525 (VCV001924525.5), dbSNP rs2492837204, ClinGen allele CA377918844.
Genomic context (GRCh38, chr10:102,627,229, plus strand): 5'-TCACAGATTCTGTTGACCGAAGAGTTTGTAGAGAAAATGTTGGAGGATTTAGAAGATTTG[A>G]CTTCTCCAGAGGAAGTAAGCTTGTTTGACTTTTCCTGACAACAGGTCCCGTCTCTGGGAC-3'
Protein context (NP_057253.2, residues 441-461): EKMLEDLEDL[Thr451Ala]SPEEFKLPKE

ClinVar aggregate classification (germline): Uncertain significance (1 of 4 stars; one submission).

Conditions:
Medulloblastoma (MDB). Also called: Medulloblastoma, somatic; MEDULLOBLASTOMA PREDISPOSITION SYNDROME. Identifiers: Orphanet 616, MedGen C0025149, MeSH D008527, MONDO:0007959, OMIM 155255, HP:0002885.
Gorlin syndrome. Also called: Basal cell nevus syndrome; Nevoid Basal Cell Carcinoma Syndrome. Identifiers: Orphanet 377, MedGen C0004779, MONDO:0007187.

Submission:

Labcorp Genetics (formerly Invitae), Labcorp
Classification: Uncertain significance for Gorlin syndrome; Medulloblastoma. Last evaluated: 2022-03-11. Review status: criteria provided, single submitter. Criteria: Invitae Variant Classification Sherloc (09022015). Collection method: clinical testing. Allele origin: germline.
Comment: In summary, the available evidence is currently insufficient to determine the role of this variant in disease. Therefore, it has been classified as a Variant of Uncertain Significance. Algorithms developed to predict the effect of missense changes on protein structure and function (SIFT, PolyPhen-2, Align-GVGD) all suggest that this variant is likely to be tolerated. This variant has not been reported in the literature in individuals affected with SUFU-related conditions. This variant is not present in population databases (gnomAD no frequency). This sequence change replaces threonine, which is neutral and polar, with alanine, which is neutral and non-polar, at codon 451 of the SUFU protein (p.Thr451Ala).